The following is an entry in ClinVar:

ClinVar aggregate classification (germline): Uncertain significance. Review status: criteria provided, multiple submitters, no conflicts (2 of 4 stars). 2 submissions from 2 submitters: Uncertain significance (2). Last evaluated 2025-04-23.

Submissions (2):

GeneDx
Classification: Uncertain significance. Last evaluated: 2025-04-23. Review status: criteria provided, single submitter. Criteria: GeneDx Variant Classification Process June 2021. Collection method: clinical testing. Allele origin: germline. Affected: yes.
Comment: Not observed at significant frequency in large population cohorts (gnomAD); In silico analysis indicates that this missense variant does not alter protein structure/function; Has not been previously published as pathogenic or benign to our knowledge

Labcorp Genetics (formerly Invitae), Labcorp
Classification: Uncertain significance. Last evaluated: 2022-09-25. Review status: criteria provided, single submitter. Criteria: Invitae Variant Classification Sherloc (09022015). Collection method: clinical testing. Allele origin: germline.
Comment: This sequence change replaces serine, which is neutral and polar, with proline, which is neutral and non-polar, at codon 704 of the BCL11B protein (p.Ser704Pro). This variant is not present in population databases (gnomAD no frequency). This variant has not been reported in the literature in individuals affected with BCL11B-related conditions. Advanced modeling of protein sequence and biophysical properties (such as structural, functional, and spatial information, amino acid conservation, physicochemical variation, residue mobility, and thermodynamic stability) performed at Invitae indicates that this missense variant is not expected to disrupt BCL11B protein function. In summary, the available evidence is currently insufficient to determine the role of this variant in disease. Therefore, it has been classified as a Variant of Uncertain Significance.

NM_138576.4(BCL11B):c.2110T>C (p.Ser704Pro)

Gene: BCL11B (BCL11 transcription factor B; minus strand). Cytogenetic location: 14q32.2.
Variant type: single nucleotide variant.
Coding change: c.2110T>C on transcript NM_138576.4 (MANE Select); coding-DNA position 2110, T replaced by C.
Protein change: p.Ser704Pro; replaces serine 704 with proline.
Molecular consequence: missense variant.
Genome position (GRCh38, 1-based): chr14:99,174,726, A>G on the plus strand (T>C on the coding strand, the complement: BCL11B is on the minus strand). VCF-style: chr14-99174726-A-G. GRCh37 (hg19) VCF-style: chr14-99641063-A-G.
Other names: c.2107T>C, p.Ser703Pro (NM_001282237.2); c.1894T>C, p.Ser632Pro (NM_001282238.2); c.1897T>C, p.Ser633Pro (NM_022898.3); c.2110T>C (NM_138576.3); short protein forms S632P, S633P, S703P, S704P.
Identifiers: ClinVar variation 2096914 (VCV002096914.5), dbSNP rs2503639038, ClinGen allele CA390933943.